The following is an entry in ClinVar:

ClinVar aggregate classification (germline): Likely benign (0 of 4 stars; one submission).

Conditions:
HNRNPA1-related disorder. Also called: HNRNPA1-related condition.

Allele frequency attached by ClinVar (database versions not stated): gnomAD exomes below 0.00001; gnomAD 0.00002; TOPMed 0.00002; ExAC 0.00004; 1000 Genomes Project 30x 0.00031; 1000 Genomes Project 0.00040.
gnomAD v4.1: 6 of 1,554,696 alleles (0.00039%); highest among the groups gnomAD compares: East Asian, 0.015%; no homozygotes.

Submission:

PreventionGenetics, part of Exact Sciences
Classification: Likely benign for HNRNPA1-related condition. Last evaluated: 2023-08-02. Review status: no assertion criteria provided. Collection method: clinical testing. Allele origin: germline.
Comment: This variant is classified as likely benign based on ACMG/AMP sequence variant interpretation guidelines (Richards et al. 2015 PMID: 25741868, with internal and published modifications).

NM_031157.4(HNRNPA1):c.677-9T>G

Gene: HNRNPA1 (heterogeneous nuclear ribonucleoprotein A1; plus strand). Cytogenetic location: 12q13.13.
Variant type: single nucleotide variant.
Coding change: c.677-9T>G on transcript NM_031157.4 (MANE Select); 9 bases into the intron before coding-DNA position 677, T replaced by G.
Molecular consequence: intron variant.
Genome position (GRCh38, 1-based): chr12:54,282,791, T>G. VCF-style: chr12-54282791-T-G. GRCh37 (hg19) VCF-style: chr12-54676575-T-G.
Other names: c.677-9T>G (NM_002136.4).
Identifiers: ClinVar variation 3046342 (VCV003046342.2), dbSNP rs527268169, ClinGen allele CA6606307.